The following is an entry in ClinVar:

ClinVar aggregate classification (germline): Conflicting classifications of pathogenicity. Review status: criteria provided, conflicting classifications (1 of 4 stars). 4 submissions from 4 submitters: Uncertain significance (1); Likely benign (3). Last evaluated 2025-03-31.

Conditions:
Inborn genetic diseases. Identifiers: MedGen C0950123, MeSH D030342.
KBG syndrome (KBGS). Also called: ANKRD11-Related KBG Syndrome. Identifiers: Orphanet 2332, MedGen C0220687, MONDO:0007846, OMIM 148050.

Allele frequency attached by ClinVar (database versions not stated): gnomAD 0.00007; ExAC 0.00010; gnomAD exomes 0.00010; TOPMed 0.00010; ESP Exome Variant Server 0.00020.
gnomAD v4.1: 152 of 1,562,604 alleles (0.0097%); highest among the groups gnomAD compares: Non-Finnish European, 0.012%; no homozygotes.

Submissions (4):

Labcorp Genetics (formerly Invitae), Labcorp
Classification: Uncertain significance for KBG syndrome. Last evaluated: 2025-03-31. Review status: criteria provided, single submitter. Criteria: Invitae Variant Classification Sherloc (09022015). Collection method: clinical testing. Allele origin: germline.
Comment: This sequence change replaces valine, which is neutral and non-polar, with isoleucine, which is neutral and non-polar, at codon 2044 of the ANKRD11 protein (p.Val2044Ile). This variant is present in population databases (rs372141194, gnomAD 0.02%). This variant has not been reported in the literature in individuals affected with ANKRD11-related conditions. ClinVar contains an entry for this variant (Variation ID: 959170). Invitae Evidence Modeling of protein sequence and biophysical properties (such as structural, functional, and spatial information, amino acid conservation, physicochemical variation, residue mobility, and thermodynamic stability) indicates that this missense variant is not expected to disrupt ANKRD11 protein function with a negative predictive value of 95%. In summary, the available evidence is currently insufficient to determine the role of this variant in disease. Therefore, it has been classified as a Variant of Uncertain Significance.

Blueprint Genetics
Classification: Likely benign. Last evaluated: 2024-09-26. Review status: criteria provided, single submitter. Criteria: ACMG Guidelines, 2015. Collection method: clinical testing. Allele origin: germline.

Ambry Genetics
Classification: Likely benign for Inborn genetic diseases. Last evaluated: 2021-04-17. Review status: criteria provided, single submitter. Criteria: Ambry Variant Classification Scheme 2023. Collection method: clinical testing. Allele origin: germline.

GeneDx
Classification: Likely benign. Last evaluated: 2020-12-08. Review status: criteria provided, single submitter. Criteria: GeneDx Variant Classification Process June 2021. Collection method: clinical testing. Allele origin: germline. Affected: yes.

NM_013275.6(ANKRD11):c.6130G>A (p.Val2044Ile)

Gene: ANKRD11 (ankyrin repeat domain 11; minus strand). Cytogenetic location: 16q24.3.
Variant type: single nucleotide variant.
Coding change: c.6130G>A on transcript NM_013275.6 (MANE Select); coding-DNA position 6130, G replaced by A.
Protein change: p.Val2044Ile; replaces valine 2044 with isoleucine.
Molecular consequence: missense variant.
Genome position (GRCh38, 1-based): chr16:89,280,412, C>T on the plus strand (G>A on the coding strand, the complement: ANKRD11 is on the minus strand). VCF-style: chr16-89280412-C-T. GRCh37 (hg19) VCF-style: chr16-89346820-C-T.
Other names: c.6130G>A, p.Val2044Ile (NM_001256182.2, NM_001256183.2); c.6130G>A (NM_013275.4); short protein forms V2044I.
Identifiers: ClinVar variation 959170 (VCV000959170.13), dbSNP rs372141194, ClinGen allele CA8241574.
Genomic context (GRCh38, chr16:89,280,412, plus strand): 5'-ACTCCAGCCCGGAGGGAGGGGCGTAGGGAGCCGCCTCTGAGGTGGAGATGGCGGCGGGGA[C>T]GGCGTCCACTCCGTCCTTGACGTCCTCCAGCCCCGGCTCAGCGACGGGCAGAGCGTACGG-3'
Protein context (NP_037407.4, residues 2034-2054): LEDVKDGVDA[Val2044Ile]PAAISTSEAA